The following is an entry in ClinVar:

NM_000642.3(AGL):c.959-53A>T

Gene: AGL (amylo-alpha-1,6-glucosidase and 4-alpha-glucanotransferase; plus strand). Cytogenetic location: 1p21.2.
Variant type: single nucleotide variant.
Coding change: c.959-53A>T on transcript NM_000642.3 (MANE Select); 53 bases into the intron before coding-DNA position 959, A replaced by T.
Molecular consequence: intron variant.
Genome position (GRCh38, 1-based): chr1:99,874,634, A>T. VCF-style: chr1-99874634-A-T. GRCh37 (hg19) VCF-style: chr1-100340190-A-T.
Other names: NC_000001.10:g.100340190A>T; c.959-53A>T (NM_000643.3, NM_000644.3, NM_001425326.1 and 3 more transcripts); c.911-53A>T (NM_000646.3); c.755-53A>T (NM_001425328.1, NM_001425329.1); c.581-53A>T (NM_001425332.1).
Identifiers: ClinVar variation 380578 (VCV000380578.3), dbSNP rs184400307, ClinGen allele CA16603776.
Genomic context (GRCh38, chr1:99,874,634, plus strand): 5'-ATATTTGTTTTATTTTCAGTGAAAAAATTATAGGCCAAAAATTAGAAAATAGTGACAGTT[A>T]TAATCTCTTTGTAGATATTTGCATTTAAGGTATCGTCTTTTCTTTCTTTTAGAAAATAGG-3'

ClinVar aggregate classification (germline): Likely benign. Review status: criteria provided, multiple submitters, no conflicts (2 of 4 stars). 2 submissions from 2 submitters: Likely benign (2). Last evaluated 2016-03-08.

Allele frequency attached by ClinVar (database versions not stated): 1000 Genomes Project 0.00839.
gnomAD v4.1: 2,369 of 1,506,294 alleles (0.16%); highest among the groups gnomAD compares: Middle Eastern, 0.31%; 1 homozygote.

Submissions (6):

GeneDx
Classification: Likely benign. Last evaluated: 2016-03-08. Review status: criteria provided, single submitter. Criteria: GeneDx Variant Classification (06012015). Collection method: clinical testing. Allele origin: germline. Affected: yes.
Comment: This variant is considered likely benign or benign based on one or more of the following criteria: it is a conservative change, it occurs at a poorly conserved position in the protein, it is predicted to be benign by multiple in silico algorithms, and/or has population frequency not consistent with disease.

Breakthrough Genomics
Classification: Likely benign. Review status: criteria provided, single submitter. Criteria: ACMG Guidelines, 2015. Collection method: not provided. Allele origin: germline. Inheritance: Autosomal recessive inheritance. Affected: yes.

Dr. Peter K. Rogan Lab, Western University
No classification provided (evidence only). Condition: Malignant tumor of esophagus. Review status: no classification provided. Collection method: in vitro. Allele origin: not applicable. Functional consequence: retained intron. Not counted in ClinVar's aggregate classification.

Dr. Peter K. Rogan Lab, Western University
No classification provided (evidence only). Condition: Familial cancer of breast. Review status: no classification provided. Collection method: in vitro. Allele origin: not applicable. Functional consequence: retained intron. Not counted in ClinVar's aggregate classification.

Dr. Peter K. Rogan Lab, Western University
No classification provided (evidence only). Condition: Malignant tumor of esophagus. Review status: no classification provided. Collection method: in vitro. Allele origin: not applicable. Functional consequence: retained intron. Not counted in ClinVar's aggregate classification.

Dr. Peter K. Rogan Lab, Western University
No classification provided (evidence only). Condition: Cervical cancer. Review status: no classification provided. Collection method: in vitro. Allele origin: not applicable. Functional consequence: retained intron. Not counted in ClinVar's aggregate classification.